The following is an entry in ClinVar:

NM_001035.3(RYR2):c.8041A>G (p.Met2681Val)

Gene: RYR2 (ryanodine receptor 2; plus strand). Cytogenetic location: 1q43.
Variant type: single nucleotide variant.
Coding change: c.8041A>G on transcript NM_001035.3 (MANE Select); coding-DNA position 8041, A replaced by G.
Protein change: p.Met2681Val; replaces methionine 2681 with valine.
Molecular consequence: missense variant.
Genome position (GRCh38, 1-based): chr1:237,655,896, A>G. VCF-style: chr1-237655896-A-G. GRCh37 (hg19) VCF-style: chr1-237819196-A-G.
Other names: c.8041A>G (NM_001035.2); short protein forms M2681V.
Identifiers: ClinVar variation 1332344 (VCV001332344.6), dbSNP rs768547151, ClinGen allele CA345400885.

ClinVar aggregate classification (germline): Uncertain significance. Review status: criteria provided, multiple submitters, no conflicts (2 of 4 stars). 3 submissions from 3 submitters: Uncertain significance (3). Last evaluated 2024-03-06.

Conditions:
Cardiomyopathy (CMYO). Also called: Cardiomyopathies. Identifiers: Orphanet 167848, MedGen C0878544, MONDO:0004994, HP:0001638. Inheritance: Various modes of inheritance.
Catecholaminergic polymorphic ventricular tachycardia (CVPT). Also called: Catecholamine-induced polymorphic ventricular tachycardia. Identifiers: Orphanet 3286, MedGen C5574922, MONDO:0017990.

gnomAD v4.1: 8 of 1,611,700 alleles (0.0005%); highest among the groups gnomAD compares: Admixed American, 0.0017%; no homozygotes.

Submissions (3):

Color Diagnostics, LLC DBA Color Health
Classification: Uncertain significance for Cardiomyopathy. Last evaluated: 2024-03-06. Review status: criteria provided, single submitter. Criteria: ACMG Guidelines, 2015. Collection method: clinical testing. Allele origin: germline.
Comment: This missense variant replaces methionine with valine at codon 2681 of the RYR2 protein. Computational prediction suggests that this variant may not impact protein structure and function (internally defined REVEL score threshold <= 0.5, PMID: 27666373). To our knowledge, functional studies have not been reported for this variant. This variant has not been reported in individuals affected with RYR2-related disorders in the literature. This variant has been identified in 1/245374 chromosomes in the general population by the Genome Aggregation Database (gnomAD). The available evidence is insufficient to determine the role of this variant in disease conclusively. Therefore, this variant is classified as a Variant of Uncertain Significance.

All of Us Research Program, National Institutes of Health
Classification: Uncertain significance for Catecholaminergic polymorphic ventricular tachycardia. Last evaluated: 2024-02-22. Review status: criteria provided, single submitter. Criteria: ACMG Guidelines, 2015. Collection method: clinical testing. Allele origin: germline. Inheritance: Autosomal dominant inheritance. Observed: 1 variant allele, 1 heterozygote.
Comment: This missense variant replaces methionine with valine at codon 2681 of the RYR2 protein. Computational prediction suggests that this variant may not impact protein structure and function (internally defined REVEL score threshold <= 0.5, PMID: 27666373). To our knowledge, functional studies have not been reported for this variant. This variant has not been reported in individuals affected with cardiovascular disorders in the literature. This variant has been identified in 1/245374 chromosomes in the general population by the Genome Aggregation Database (gnomAD). The available evidence is insufficient to determine the role of this variant in disease conclusively. Therefore, this variant is classified as a Variant of Uncertain Significance.

This study involves interpretation of variants in research participants for the purpose of population health screening. Participant phenotype was not available at the time of variant classification. Additional details can be found in publication PMID: 35346344, PMCID: PMC8962531

GeneDx
Classification: Uncertain significance. Last evaluated: 2022-03-01. Review status: criteria provided, single submitter. Criteria: GeneDx Variant Classification Process June 2021. Collection method: clinical testing. Allele origin: germline. Affected: yes.
Comment: Has not been previously published as pathogenic or benign to our knowledge; Not observed at significant frequency in large population cohorts (gnomAD); In silico analysis supports that this missense variant does not alter protein structure/function; Not located in one of the three hot-spot regions of the RYR2 gene, where the majority of pathogenic missense variants occur (Medeiros-Domingo et al., 2009)